The following is an entry in ClinVar:

NM_015041.3(CLUAP1):c.614A>T (p.Asn205Ile)

Gene: CLUAP1 (clusterin associated protein 1; plus strand). Cytogenetic location: 16p13.3.
Variant type: single nucleotide variant.
Coding change: c.614A>T on transcript NM_015041.3 (MANE Select); coding-DNA position 614, A replaced by T.
Protein change: p.Asn205Ile; replaces asparagine 205 with isoleucine.
Molecular consequence: missense variant.
Genome position (GRCh38, 1-based): chr16:3,519,937, A>T. VCF-style: chr16-3519937-A-T. GRCh37 (hg19) VCF-style: chr16-3569937-A-T.
Other names: c.614A>T, p.Asn205Ile (NM_001330454.2); c.116A>T, p.Asn39Ile (NM_024793.3); short protein forms N205I, N39I.
Identifiers: ClinVar variation 1717715 (VCV001717715.5), dbSNP rs2543968952, ClinGen allele CA394513160.

ClinVar aggregate classification (germline): Uncertain significance (1 of 4 stars; one submission).

Submission:

Labcorp Genetics (formerly Invitae), Labcorp
Classification: Uncertain significance. Last evaluated: 2022-07-17. Review status: criteria provided, single submitter. Criteria: Invitae Variant Classification Sherloc (09022015). Collection method: clinical testing. Allele origin: germline.
Comment: This sequence change replaces asparagine, which is neutral and polar, with isoleucine, which is neutral and non-polar, at codon 205 of the CLUAP1 protein (p.Asn205Ile). This variant is not present in population databases (gnomAD no frequency). This variant has not been reported in the literature in individuals affected with CLUAP1-related conditions. Algorithms developed to predict the effect of missense changes on protein structure and function are either unavailable or do not agree on the potential impact of this missense change (SIFT: "Deleterious"; PolyPhen-2: "Possibly Damaging"; Align-GVGD: "Class C0"). In summary, the available evidence is currently insufficient to determine the role of this variant in disease. Therefore, it has been classified as a Variant of Uncertain Significance.